The following is an entry in ClinVar:

ClinVar aggregate classification (germline): Uncertain significance (1 of 4 stars; one submission).

gnomAD v4.1: 6 of 1,611,674 alleles (0.00037%); highest among the groups gnomAD compares: African/African-American, 0.0013%; no homozygotes.

Submission:

Ambry Genetics
Classification: Uncertain significance. Last evaluated: 2025-02-20. Review status: criteria provided, single submitter. Criteria: Ambry Variant Classification Scheme 2023. Collection method: clinical testing. Allele origin: germline.
Comment: The p.R378W variant (also known as c.1132C>T), located in coding exon 6 of the PALLD gene, results from a C to T substitution at nucleotide position 1132. The arginine at codon 378 is replaced by tryptophan, an amino acid with dissimilar properties. This amino acid position is conserved. In addition, this alteration is predicted to be deleterious by in silico analysis. Based on the available evidence, the clinical significance of this variant remains unclear.

NM_001166108.2(PALLD):c.2644C>T (p.Arg882Trp)

Genes: CBR4 (carbonyl reductase 4; minus strand), PALLD (palladin, cytoskeletal associated protein; plus strand). Cytogenetic location: 4q32.3.
Variant type: single nucleotide variant.
Coding change: c.2644C>T on transcript NM_001166108.2 (MANE Select); coding-DNA position 2644, C replaced by T.
Protein change: p.Arg882Trp; replaces arginine 882 with tryptophan.
Molecular consequence: missense variant.
Genome position (GRCh38, 1-based): chr4:168,913,948, C>T. VCF-style: chr4-168913948-C-T. GRCh37 (hg19) VCF-style: chr4-169835099-C-T.
Other names: c.1447C>T, p.Arg483Trp (NM_001166109.2); c.1132C>T, p.Arg378Trp (NM_001166110.2); c.472C>T, p.Arg158Trp (NM_001367567.1, NM_001367569.1); c.523C>T, p.Arg175Trp (NM_001367568.1, NM_001367570.1); c.2593C>T, p.Arg865Trp (NM_016081.4); short protein forms R158W, R865W, R378W, R483W, R175W, R882W.
Identifiers: ClinVar variation 3885248 (VCV003885248.1).